The following is an entry in ClinVar:

NM_000210.4(ITGA6):c.2109G>A (p.Thr703=)

Genes: ITGA6 (integrin subunit alpha 6; plus strand), PDK1-AS1 (PDK1 and ITGA6 antisense RNA 1; minus strand). Cytogenetic location: 2q31.1.
Variant type: single nucleotide variant.
Coding change: c.2109G>A on transcript NM_000210.4 (MANE Select); coding-DNA position 2109, G replaced by A.
Protein change: p.Thr703=; no amino-acid change (threonine 703 retained).
Molecular consequence: synonymous variant.
Genome position (GRCh38, 1-based): chr2:172,487,402, G>A. VCF-style: chr2-172487402-G-A. GRCh37 (hg19) VCF-style: chr2-173352130-G-A.
Other names: c.2109G>A, p.Thr703= (NM_001079818.3, NM_001365529.2, NM_001365530.2); c.1752G>A, p.Thr584= (NM_001316306.2).
Identifiers: ClinVar variation 332370 (VCV000332370.13), dbSNP rs141344340, ClinGen allele CA1968295.

ClinVar aggregate classification (germline): Conflicting classifications of pathogenicity. Review status: criteria provided, conflicting classifications (1 of 4 stars). 3 submissions from 3 submitters: Uncertain significance (1); Benign (1); Likely benign (1). Last evaluated 2026-09-01.

Conditions:
Junctional epidermolysis bullosa with pyloric atresia. Also called: ITGB4-Related Epidermolysis Bullosa with Pyloric Atresia; Epidermolysis bullosa, junctional, with pyloric atresia and aplasia cutis congenita; Epidermolysis bullosa junctionalis with pyloric atresia; EPIDERMOLYSIS BULLOSA, JUNCTIONAL 5B, WITH PYLORIC ATRESIA; Junctional Epidermolysis Bullosa- Pyloric Atresia Syndrome; APLASIA CUTIS CONGENITA WITH GASTROINTESTINAL ATRESIA. Identifiers: Orphanet 79403, MedGen C5676875, MONDO:0009183, OMIM 226730.

Allele frequency attached by ClinVar (database versions not stated): gnomAD exomes 0.00025 and 0.00035; ExAC 0.00033; gnomAD 0.00033 and 0.00034; ESP Exome Variant Server 0.00038; TOPMed 0.00051.
gnomAD v4.1: 452 of 1,614,120 alleles (0.028%); highest among the groups gnomAD compares: Middle Eastern, 0.23%; 3 homozygotes.

Submissions (3):

CeGaT Center for Human Genetics Tuebingen
Classification: Likely benign. Last evaluated: 2026-09-01. Review status: criteria provided, single submitter. Criteria: CeGaT Center For Human Genetics Tuebingen Variant Classification Criteria Version 2. Collection method: clinical testing. Allele origin: germline. Affected: yes. Observed: 1 variant allele.
Comment: ITGA6: BP4, BP7

Labcorp Genetics (formerly Invitae), Labcorp
Classification: Benign. Last evaluated: 2025-09-30. Review status: criteria provided, single submitter. Criteria: Invitae Variant Classification Sherloc (09022015). Collection method: clinical testing. Allele origin: germline.

Illumina Laboratory Services, Illumina
Classification: Uncertain significance for Junctional epidermolysis bullosa with pyloric atresia. Last evaluated: 2018-01-12. Review status: criteria provided, single submitter. Criteria: ICSL Variant Classification Criteria 13 December 2019. Collection method: clinical testing. Allele origin: germline.